The following is an entry in ClinVar:

ClinVar aggregate classification (germline): Uncertain significance (1 of 4 stars; one submission).

Conditions:
Inborn genetic diseases. Identifiers: MedGen C0950123, MeSH D030342.

Submission:

Ambry Genetics
Classification: Uncertain significance for Inborn genetic diseases. Last evaluated: 2020-10-21. Review status: criteria provided, single submitter. Criteria: Ambry Variant Classification Scheme 2023. Collection method: clinical testing. Allele origin: germline.
Comment: The c.2123A>C (p.Y708S) alteration is located in exon 16 (coding exon 15) of the CEP152 gene. This alteration results from an A to C substitution at nucleotide position 2123, causing the tyrosine (Y) at amino acid position 708 to be replaced by a serine (S). Based on data from the Genome Aggregation Database (gnomAD), the CEP152 c.2123A>C alteration was not observed, with coverage at this position. This amino acid position is highly conserved in available vertebrate species. The p.Y708S alteration is predicted to be tolerated by in silico analysis. Based on insufficient or conflicting evidence, the clinical significance of this alteration remains unclear.

NM_001194998.2(CEP152):c.2123A>C (p.Tyr708Ser)

Gene: CEP152 (centrosomal protein 152; minus strand). Cytogenetic location: 15q21.1.
Variant type: single nucleotide variant.
Coding change: c.2123A>C on transcript NM_001194998.2 (MANE Select); coding-DNA position 2123, A replaced by C.
Protein change: p.Tyr708Ser; replaces tyrosine 708 with serine.
Molecular consequence: missense variant.
Genome position (GRCh38, 1-based): chr15:48,767,359, T>G on the plus strand (A>C on the coding strand, the complement: CEP152 is on the minus strand). VCF-style: chr15-48767359-T-G. GRCh37 (hg19) VCF-style: chr15-49059556-T-G.
Other names: c.2123A>C, p.Tyr708Ser (NM_014985.4); short protein forms Y708S.
Identifiers: ClinVar variation 2227683 (VCV002227683.2), dbSNP rs751537980, ClinGen allele CA392348594.